The following is an entry in ClinVar:

ClinVar aggregate classification (germline): Uncertain significance (1 of 4 stars; one submission).

Conditions:
Developmental and epileptic encephalopathy. Identifiers: MedGen C5779964, MONDO:0100620.

Allele frequency attached by ClinVar (database versions not stated): ESP Exome Variant Server 0.00008.
gnomAD v4.1: 24 of 1,613,670 alleles (0.0015%); highest among the groups gnomAD compares: Non-Finnish European, 0.0019%; no homozygotes.

Submission:

Labcorp Genetics (formerly Invitae), Labcorp
Classification: Uncertain significance for Early-infantile DEE. Last evaluated: 2022-09-01. Review status: criteria provided, single submitter. Criteria: Invitae Variant Classification Sherloc (09022015). Collection method: clinical testing. Allele origin: germline.
Comment: This sequence change replaces arginine, which is basic and polar, with leucine, which is neutral and non-polar, at codon 147 of the ST3GAL3 protein (p.Arg147Leu). The frequency data for this variant in the population databases is considered unreliable, as metrics indicate poor data quality at this position in the gnomAD database. This variant has not been reported in the literature in individuals affected with ST3GAL3-related conditions. ClinVar contains an entry for this variant (Variation ID: 647079). Algorithms developed to predict the effect of missense changes on protein structure and function (SIFT, PolyPhen-2, Align-GVGD) all suggest that this variant is likely to be tolerated. In summary, the available evidence is currently insufficient to determine the role of this variant in disease. Therefore, it has been classified as a Variant of Uncertain Significance.

NM_006279.5(ST3GAL3):c.440G>T (p.Arg147Leu)

Gene: ST3GAL3 (ST3 beta-galactoside alpha-2,3-sialyltransferase 3; plus strand). Cytogenetic location: 1p34.1.
Variant type: single nucleotide variant.
Coding change: c.440G>T on transcript NM_006279.5 (MANE Select); coding-DNA position 440, G replaced by T.
Protein change: p.Arg147Leu; replaces arginine 147 with leucine.
Molecular consequence: missense variant. On other transcripts: non-coding transcript variant (7), intron variant (4).
Genome position (GRCh38, 1-based): chr1:43,898,277, G>T. VCF-style: chr1-43898277-G-T. GRCh37 (hg19) VCF-style: chr1-44363949-G-T.
Other names: c.440G>T, p.Arg147Leu (NM_001270459.2, NM_001350620.2, NM_174966.4); c.347G>T, p.Arg116Leu (NM_001270460.2); c.392G>T, p.Arg131Leu (NM_001270461.3, NM_001270464.3, NM_174969.4); c.299G>T, p.Arg100Leu (NM_001270462.3); c.437G>T, p.Arg146Leu (NM_001270463.3, NM_001270465.3); c.485G>T, p.Arg162Leu (NM_001350619.2, NM_174964.4); c.161G>T, p.Arg54Leu (NM_001350621.2); c.602G>T, p.Arg201Leu (NM_001363573.2, NM_174968.5); and 6 more; short protein forms R100L, R116L, R147L, R216L, R54L, R146L, R201L, R131L.
Identifiers: ClinVar variation 647079 (VCV000647079.5), dbSNP rs138616798, ClinGen allele CA21598473.
Genomic context (GRCh38, chr1:43,898,277, plus strand): 5'-TCTCTCCTCTGTCTGCAGACAATCTGATCAAAGCCATCTTGTCAGTCACCAAAGAGTACC[G>T]CCTGACCCCTGCCTTGGACAGGTGAGCCACACACTGTGCAGCCTCCTACCCACCGCTGCC-3'
Protein context (NP_006270.1, residues 137-157): KAILSVTKEY[Arg147Leu]LTPALDSLRC